The following is an entry in ClinVar:

NM_001270.4(CHD1):c.2235C>T (p.Thr745=)

Gene: CHD1 (chromodomain helicase DNA binding protein 1; minus strand). Cytogenetic location: 5q15.
Variant type: single nucleotide variant.
Coding change: c.2235C>T on transcript NM_001270.4 (MANE Select); coding-DNA position 2235, C replaced by T.
Protein change: p.Thr745=; no amino-acid change (threonine 745 retained).
Molecular consequence: synonymous variant. On other transcripts: non-coding transcript variant (2).
Genome position (GRCh38, 1-based): chr5:98,889,184, G>A on the plus strand (C>T on the coding strand, the complement: CHD1 is on the minus strand). VCF-style: chr5-98889184-G-A. GRCh37 (hg19) VCF-style: chr5-98224888-G-A.
Other names: c.2235C>T, p.Thr745= (NM_001364113.3, NM_001376194.2); c.2235C>T (NM_001270.2).
Identifiers: ClinVar variation 2655616 (VCV002655616.26), dbSNP rs377125099, ClinGen allele CA3356215.

ClinVar aggregate classification (germline): Benign/Likely benign. Review status: criteria provided, multiple submitters, no conflicts (2 of 4 stars). 3 submissions from 3 submitters: Benign (1); Likely benign (1). 1 of the submissions does not count toward it. Last evaluated 2024-07-15.

Conditions:
CHD1-related disorder. Also called: CHD1-related condition.

Allele frequency attached by ClinVar (database versions not stated): TOPMed 0.00006; ESP Exome Variant Server 0.00008; gnomAD 0.00008; ExAC 0.00057; 1000 Genomes Project 0.00060; 1000 Genomes Project 30x 0.00062.
gnomAD v4.1: 356 of 1,610,356 alleles (0.022%); highest among the groups gnomAD compares: South Asian, 0.33%; 4 homozygotes.

Submissions (3):

Blueprint Genetics
Classification: Likely benign. Last evaluated: 2024-07-15. Review status: criteria provided, single submitter. Criteria: ACMG Guidelines, 2015. Collection method: clinical testing. Allele origin: germline.

CeGaT Center for Human Genetics Tuebingen
Classification: Benign. Last evaluated: 2022-07-01. Review status: criteria provided, single submitter. Criteria: CeGaT Center For Human Genetics Tuebingen Variant Classification Criteria Version 2. Collection method: clinical testing. Allele origin: germline. Affected: yes. Observed: 1 variant allele.
Comment: CHD1: BS1, BS2

PreventionGenetics, part of Exact Sciences
Classification: Likely benign for CHD1-related condition. Last evaluated: 2019-04-11. Review status: no assertion criteria provided. Collection method: clinical testing. Allele origin: germline. Not counted in ClinVar's aggregate classification.
Comment: This variant is classified as likely benign based on ACMG/AMP sequence variant interpretation guidelines (Richards et al. 2015 PMID: 25741868, with internal and published modifications).